The following is an entry in ClinVar:

ClinVar aggregate classification (germline): Uncertain significance (1 of 4 stars; one submission).

Conditions:
SATB1-related disorder. Also called: SATB1-related condition.

Allele frequency attached by ClinVar (database versions not stated): gnomAD exomes below 0.00001.
gnomAD v4.1: 3 of 1,613,946 alleles (0.00019%); highest among the groups gnomAD compares: East Asian, 0.0022%; no homozygotes.

Submission:

PreventionGenetics, part of Exact Sciences
Classification: Uncertain significance for SATB1-related condition. Last evaluated: 2025-12-18. Review status: criteria provided, single submitter. Criteria: ACMG Guidelines, 2015. Collection method: clinical testing. Allele origin: germline.
Comment: The SATB1 c.1392C>G variant is predicted to result in the amino acid substitution p.Ile464Met. To our knowledge, this variant has not been reported in the literature or in a large population database (gnomAD), indicating this variant is rare. At this time, the clinical significance of this variant is uncertain due to the absence of conclusive functional and genetic evidence.

NM_002971.6(SATB1):c.1392C>G (p.Ile464Met)

Gene: SATB1 (SATB homeobox 1; minus strand). Cytogenetic location: 3p24.3.
Variant type: single nucleotide variant.
Coding change: c.1392C>G on transcript NM_002971.6 (MANE Select); coding-DNA position 1392, C replaced by G.
Protein change: p.Ile464Met; replaces isoleucine 464 with methionine.
Molecular consequence: missense variant.
Genome position (GRCh38, 1-based): chr3:18,386,426, G>C on the plus strand (C>G on the coding strand, the complement: SATB1 is on the minus strand). VCF-style: chr3-18386426-G-C. GRCh37 (hg19) VCF-style: chr3-18427918-G-C.
Other names: c.1392C>G, p.Ile464Met (NM_001131010.4, NM_001195470.3, NM_001322871.2 and 4 more transcripts); c.1176C>G, p.Ile392Met (NM_001322876.2); short protein forms I392M, I464M.
Identifiers: ClinVar variation 2636142 (VCV002636142.2), dbSNP rs2125208120, ClinGen allele CA351854649.